The following is an entry in ClinVar:

ClinVar aggregate classification (germline): Pathogenic (1 of 4 stars; one submission).

Conditions:
Fanconi anemia (FA). Also called: Fanconi's anemia. Identifiers: Orphanet 84, MedGen C0015625, MeSH D005199, MONDO:0019391.

Submission:

Labcorp Genetics (formerly Invitae), Labcorp
Classification: Pathogenic for Fanconi anemia. Last evaluated: 2023-12-22. Review status: criteria provided, single submitter. Criteria: Invitae Variant Classification Sherloc (09022015). Collection method: clinical testing. Allele origin: unknown.
Comment: This variant is a gross deletion of the genomic region encompassing exon(s) 1-10 of the FANCA gene, which includes the initiator codon. This deletion extends beyond the assayed region for this gene and therefore may encompass additional genes. It is expected to result in an absent or disrupted protein product. Loss-of-function variants in FANCA are known to be pathogenic (PMID: 19367192). This variant has not been reported in the literature in individuals affected with FANCA-related conditions. For these reasons, this variant has been classified as Pathogenic.

Literature cited by the submitters: PubMed 19367192.

NC_000016.9:g.(?_89865554)_(90109753_?)del

Genes: CENPBD1 (CENPB DNA-binding domain containing 1; minus strand), DBNDD1 (dysbindin domain containing 1; minus strand), DEF8 (differentially expressed in FDCP 8 homolog; plus strand), DRC4 (dynein regulatory complex subunit 4; plus strand), FANCA (FA complementation group A; minus strand) and 5 more. Cytogenetic location: 16q24.3.
Variant type: Deletion.
Identifiers: ClinVar variation 3243229 (VCV003243229.1).